The following is an entry in ClinVar:

NM_001382391.1(CSPP1):c.32A>C (p.Glu11Ala)

Gene: CSPP1 (centrosome and spindle pole associated protein 1; plus strand). Cytogenetic location: 8q13.1.
Variant type: single nucleotide variant.
Coding change: c.32A>C on transcript NM_001382391.1 (MANE Select); coding-DNA position 32, A replaced by C.
Protein change: p.Glu11Ala; replaces glutamic acid 11 with alanine.
Molecular consequence: missense variant.
Genome position (GRCh38, 1-based): chr8:67,074,284, A>C. VCF-style: chr8-67074284-A-C. GRCh37 (hg19) VCF-style: chr8-67986519-A-C.
Other names: c.32A>C, p.Glu11Ala (NM_001363131.2, NM_001363132.2, NM_001363133.2); c.140A>C, p.Glu47Ala (NM_001364869.1, NM_001364870.1, NM_024790.7); short protein forms E11A, E47A.
Identifiers: ClinVar variation 1359558 (VCV001359558.4), dbSNP rs778293599, ClinGen allele CA4770103.

ClinVar aggregate classification (germline): Uncertain significance (1 of 4 stars; one submission).

Conditions:
Joubert syndrome 21 (JBTS21). Identifiers: MedGen C3810212, MONDO:0014288, OMIM 615636.

Allele frequency attached by ClinVar (database versions not stated): gnomAD 0.00001; TOPMed 0.00001.
gnomAD v4.1: 116 of 1,611,424 alleles (0.0072%); highest among the groups gnomAD compares: Non-Finnish European, 0.0096%; no homozygotes.

Submission:

Labcorp Genetics (formerly Invitae), Labcorp
Classification: Uncertain significance for Joubert syndrome 21. Last evaluated: 2022-10-04. Review status: criteria provided, single submitter. Criteria: Invitae Variant Classification Sherloc (09022015). Collection method: clinical testing. Allele origin: germline.
Comment: In summary, the available evidence is currently insufficient to determine the role of this variant in disease. Therefore, it has been classified as a Variant of Uncertain Significance. Algorithms developed to predict the effect of missense changes on protein structure and function are either unavailable or do not agree on the potential impact of this missense change (SIFT: "Deleterious"; PolyPhen-2: "Benign"; Align-GVGD: "Class C0"). ClinVar contains an entry for this variant (Variation ID: 1359558). This variant has not been reported in the literature in individuals affected with CSPP1-related conditions. This variant is present in population databases (rs778293599, gnomAD 0.0009%). This sequence change replaces glutamic acid, which is acidic and polar, with alanine, which is neutral and non-polar, at codon 47 of the CSPP1 protein (p.Glu47Ala).